The following is an entry in ClinVar:

NM_020166.5(MCCC1):c.273+4T>C

Gene: MCCC1 (methylcrotonyl-CoA carboxylase subunit 1; minus strand). Cytogenetic location: 3q27.1.
Variant type: single nucleotide variant.
Coding change: c.273+4T>C on transcript NM_020166.5 (MANE Select); 4 bases into the intron after coding-DNA position 273, T replaced by C.
Molecular consequence: intron variant.
Genome position (GRCh38, 1-based): chr3:183,092,405, A>G on the plus strand (T>C on the coding strand, the complement: MCCC1 is on the minus strand). VCF-style: chr3-183092405-A-G. GRCh37 (hg19) VCF-style: chr3-182810193-A-G.
Other names: c.-55+2154T>C (NM_001363880.1); c.44+2154T>C (NM_001293273.2).
Identifiers: ClinVar variation 1448908 (VCV001448908.6), dbSNP rs949646980, ClinGen allele CA88709843.

ClinVar aggregate classification (germline): Uncertain significance (1 of 4 stars; one submission).

Conditions:
3-methylcrotonyl-CoA carboxylase 1 deficiency (MCC1D). Also called: MCCD TYPE 1; MCC 1 deficiency; 3 Alpha methylcrotonylglycinuria 1; METHYLCROTONYLGLYCINURIA TYPE I. Identifiers: Orphanet 6, MedGen CN028786, MONDO:0008861, OMIM 210200.

Allele frequency attached by ClinVar (database versions not stated): gnomAD exomes below 0.00001.
gnomAD v4.1: 1 of 1,614,196 alleles (0.000062%); highest among the groups gnomAD compares: Non-Finnish European, 0.000085%; no homozygotes.

Submission:

Labcorp Genetics (formerly Invitae), Labcorp
Classification: Uncertain significance for 3-methylcrotonyl-CoA carboxylase 1 deficiency. Last evaluated: 2022-03-18. Review status: criteria provided, single submitter. Criteria: Invitae Variant Classification Sherloc (09022015). Collection method: clinical testing. Allele origin: germline.
Comment: This sequence change falls in intron 3 of the MCCC1 gene. It does not directly change the encoded amino acid sequence of the MCCC1 protein. It affects a nucleotide within the consensus splice site. This variant is not present in population databases (gnomAD no frequency). This variant has not been reported in the literature in individuals affected with MCCC1-related conditions. Variants that disrupt the consensus splice site are a relatively common cause of aberrant splicing (PMID: 17576681, 9536098). Algorithms developed to predict the effect of sequence changes on RNA splicing suggest that this variant is not likely to affect RNA splicing. In summary, the available evidence is currently insufficient to determine the role of this variant in disease. Therefore, it has been classified as a Variant of Uncertain Significance.

Literature cited by the submitters: PubMed 17576681; PubMed 9536098.